The following is an entry in ClinVar:

NM_007279.3(U2AF2):c.514C>A (p.Gln172Lys)

Gene: U2AF2 (U2 small nuclear RNA auxiliary factor 2; plus strand). Cytogenetic location: 19q13.42.
Variant type: single nucleotide variant.
Coding change: c.514C>A on transcript NM_007279.3 (MANE Select); coding-DNA position 514, C replaced by A.
Protein change: p.Gln172Lys; replaces glutamine 172 with lysine.
Molecular consequence: missense variant.
Genome position (GRCh38, 1-based): chr19:55,662,529, C>A. VCF-style: chr19-55662529-C-A. GRCh37 (hg19) VCF-style: chr19-56173895-C-A.
Other names: c.514C>A, p.Gln172Lys (NM_001012478.2); short protein forms Q172K.
Identifiers: ClinVar variation 5017538 (VCV005017538.1).

ClinVar aggregate classification (germline): Uncertain significance (1 of 4 stars; one submission).

Submission:

GeneDx
Classification: Uncertain significance. Last evaluated: 2026-03-28. Review status: criteria provided, single submitter. Criteria: GeneDx Variant Classification Process June 2021. Collection method: clinical testing. Allele origin: germline.
Comment: Not observed at significant frequency in large population cohorts (gnomAD); In silico analysis suggests that this missense variant does not alter protein structure/function; Has not been previously published as pathogenic or benign to our knowledge